The following is an entry in ClinVar:

ClinVar aggregate classification (germline): Likely pathogenic (1 of 4 stars; one submission).

Conditions:
Early-onset myopathy with fatal cardiomyopathy (CMYO5). Also called: CONGENITAL MYOPATHY 5 WITH CARDIOMYOPATHY; Salih Myopathy. Identifiers: Orphanet 289377, MedGen C2673677, MONDO:0012714, OMIM 611705. Disease mechanism: loss of function.

Submission:

Rady Children's Institute for Genomic Medicine, Rady Children's Hospital San Diego
Classification: Likely pathogenic for MYOPATHY, EARLY-ONSET, WITH FATAL CARDIOMYOPATHY. Last evaluated: 2019-05-03. Review status: criteria provided, single submitter. Criteria: ACMG Guidelines, 2015. Collection method: clinical testing. Allele origin: germline. Affected: yes.
Comment: This nonsense variant found in exon 198 of 363 is predicted to result in loss of normal protein function. This variant has not been previously reported or functionally characterized in the literature to our knowledge. It is absent from the ExAC and gnomAD population databases and thus is presumed to be rare. Based on the available evidence, the c.38767A>T (p.Lys12923Ter) variant is classified as Likely Pathogenic.

NM_001267550.2(TTN):c.38767A>T (p.Lys12923Ter)

Gene: TTN (titin; minus strand). Cytogenetic location: 2q31.2.
Variant type: single nucleotide variant.
Coding change: c.38767A>T on transcript NM_001267550.2 (MANE Select); coding-DNA position 38767, A replaced by T.
Protein change: p.Lys12923Ter; replaces lysine 12923 with a stop codon.
Molecular consequence: nonsense. On other transcripts: intron variant (5).
Genome position (GRCh38, 1-based): chr2:178,653,262, T>A on the plus strand (A>T on the coding strand, the complement: TTN is on the minus strand). VCF-style: chr2-178653262-T-A. GRCh37 (hg19) VCF-style: chr2-179517989-T-A.
Other names: c.13283-10945A>T (NM_003319.4); c.13859-10945A>T (NM_133437.4); c.13658-10945A>T (NM_133432.3); c.31742-721A>T (NM_133378.4); c.34523-721A>T (NM_001256850.1); short protein forms K12923*.
Identifiers: ClinVar variation 986355 (VCV000986355.1), dbSNP rs750990843, ClinGen allele CA349467474.